The following is an entry in ClinVar:

ClinVar aggregate classification (germline): Uncertain significance. Review status: criteria provided, multiple submitters, no conflicts (2 of 4 stars). 3 submissions from 3 submitters: Uncertain significance (3). Last evaluated 2024-03-18.

Allele frequency attached by ClinVar (database versions not stated): TOPMed 0.00001.

Submissions (3):

Blueprint Genetics
Classification: Uncertain significance. Last evaluated: 2024-03-18. Review status: criteria provided, single submitter. Criteria: ACMG Guidelines, 2015. Collection method: clinical testing. Allele origin: germline.

GeneDx
Classification: Uncertain significance. Last evaluated: 2020-03-11. Review status: criteria provided, single submitter. Criteria: GeneDx Variant Classification Process June 2021. Collection method: clinical testing. Allele origin: germline. Affected: yes.
Comment: Not observed in large population cohorts (Lek et al., 2016); In silico analysis, which includes protein predictors and evolutionary conservation, supports a deleterious effect; Has not been previously published as pathogenic or benign to our knowledge; Missense variants in nearby residues reported in the Human Gene Mutation Database (Stenson et al., 2014)

CeGaT Center for Human Genetics Tuebingen
Classification: Uncertain significance. Last evaluated: 2016-05-01. Review status: criteria provided, single submitter. Criteria: CeGaT Center For Human Genetics Tuebingen Variant Classification Criteria Version 2. Collection method: clinical testing. Allele origin: germline. Affected: yes. Observed: 1 variant allele.

NM_024301.5(FKRP):c.1059C>A (p.His353Gln)

Gene: FKRP (fukutin related protein; plus strand). Cytogenetic location: 19q13.32.
Variant type: single nucleotide variant.
Coding change: c.1059C>A on transcript NM_024301.5 (MANE Select); coding-DNA position 1059, C replaced by A.
Protein change: p.His353Gln; replaces histidine 353 with glutamine.
Molecular consequence: missense variant.
Genome position (GRCh38, 1-based): chr19:46,756,509, C>A. VCF-style: chr19-46756509-C-A. GRCh37 (hg19) VCF-style: chr19-47259766-C-A.
Other names: c.1059C>A, p.His353Gln (NM_001039885.3); short protein forms H353Q.
Identifiers: ClinVar variation 808604 (VCV000808604.45), dbSNP rs894313503, ClinGen allele CA309099740.